The following is an entry in ClinVar:

NM_024529.5(CDC73):c.85G>T (p.Glu29Ter)

Gene: CDC73 (cell division cycle 73; plus strand). Cytogenetic location: 1q31.2.
Variant type: single nucleotide variant.
Coding change: c.85G>T on transcript NM_024529.5 (MANE Select); coding-DNA position 85, G replaced by T.
Protein change: p.Glu29Ter; replaces glutamic acid 29 with a stop codon.
Molecular consequence: nonsense.
Genome position (GRCh38, 1-based): chr1:193,122,285, G>T. VCF-style: chr1-193122285-G-T. GRCh37 (hg19) VCF-style: chr1-193091415-G-T.
Other names: short protein forms E29*.
Identifiers: ClinVar variation 429954 (VCV000429954.12), dbSNP rs1131691698, ClinGen allele CA343972911.
Genomic context (GRCh38, chr1:193,122,285, plus strand): 5'-CGACAGTACAACATCCAGAAGAAGGAGATTGTGGTGAAGGGAGACGAAGTGATCTTCGGG[G>T]AGTTCTCCTGGCCCAAGAATGTGAAGACCAACTATGTTGTTTGGGGGTAAGTCCGGCATG-3'

ClinVar aggregate classification (germline): Pathogenic. Review status: criteria provided, multiple submitters, no conflicts (2 of 4 stars). 2 submissions from 2 submitters: Pathogenic (2). Last evaluated 2019-01-12.

Conditions:
Parathyroid carcinoma (PRTC). Also called: Parathyroid gland carcinoma; CDC73-Related Parathyroid Carcinoma. Identifiers: Orphanet 143, MedGen C0687150, MONDO:0012004, OMIM 608266, HP:0006780.

Submissions (2):

Labcorp Genetics (formerly Invitae), Labcorp
Classification: Pathogenic for Parathyroid carcinoma. Last evaluated: 2019-01-12. Review status: criteria provided, single submitter. Criteria: Invitae Variant Classification Sherloc (09022015). Collection method: clinical testing. Allele origin: germline.
Comment: For these reasons, this variant has been classified as Pathogenic. Loss-of-function variants in CDC73 are known to be pathogenic (PMID: 12434154). This variant has been observed in individuals affected with hyperparathyroidism-jaw tumor syndrome (PMID: 23293331, 23757631). This variant is also known as c.93G>T in the literature. ClinVar contains an entry for this variant (Variation ID: 429954). This variant is not present in population databases (ExAC no frequency). This sequence change creates a premature translational stop signal (p.Glu29*) in the CDC73 gene. It is expected to result in an absent or disrupted protein product.

GeneDx
Classification: Pathogenic. Last evaluated: 2017-05-16. Review status: criteria provided, single submitter. Criteria: GeneDx Variant Classification (06012015). Collection method: clinical testing. Allele origin: germline. Affected: yes.
Comment: The E29X nonsense variant in the CDC73 gene has previously been reported in association with hyperparathyroidism-jaw tumor syndrome (Abdulla et al., 2013; Bricaire et al., 2013). This variant is predicted to cause loss of normal protein function either through protein truncation or nonsense-mediated mRNA decay. Based on currently available evidence, we consider E29X to be pathogenic.

Literature cited by the submitters: PubMed 12434154 (cited by Labcorp Genetics (formerly Invitae), Labcorp); PubMed 23293331 (cited by Labcorp Genetics (formerly Invitae), Labcorp); PubMed 23757631 (cited by Labcorp Genetics (formerly Invitae), Labcorp).